The following is an entry in ClinVar:

NM_000238.4(KCNH2):c.1807G>C (p.Gly603Arg)

Gene: KCNH2 (potassium voltage-gated channel subfamily H member 2; minus strand). Cytogenetic location: 7q36.1.
Variant type: single nucleotide variant.
Coding change: c.1807G>C on transcript NM_000238.4 (MANE Select); coding-DNA position 1807, G replaced by C.
Protein change: p.Gly603Arg; replaces glycine 603 with arginine.
Molecular consequence: missense variant. On other transcripts: non-coding transcript variant (2).
Genome position (GRCh38, 1-based): chr7:150,951,586, C>G on the plus strand (G>C on the coding strand, the complement: KCNH2 is on the minus strand). VCF-style: chr7-150951586-C-G. GRCh37 (hg19) VCF-style: chr7-150648674-C-G.
Other names: c.787G>C, p.Gly263Arg (NM_172057.3, NM_001204798.2); c.1519G>C, p.Gly507Arg (NM_001406753.1, NM_001406756.1); c.1630G>C, p.Gly544Arg (NM_001406755.1); c.1507G>C, p.Gly503Arg (NM_001406757.1); c.1807G>C, p.Gly603Arg (NM_172056.3); short protein forms G263R, G503R, G507R, G544R, G603R.
Identifiers: ClinVar variation 4090327 (VCV004090327.1).

ClinVar aggregate classification (germline): Uncertain significance (1 of 4 stars; one submission).

Conditions:
Cardiovascular phenotype. Identifiers: MedGen CN230736.

Submission:

Ambry Genetics
Classification: Uncertain significance for Cardiovascular phenotype. Last evaluated: 2025-07-02. Review status: criteria provided, single submitter. Criteria: Ambry Variant Classification Scheme 2023. Collection method: clinical testing. Allele origin: germline.
Comment: The c.1807G>C (p.G603R) alteration is located in exon 7 (coding exon 7) of the KCNH2 gene. This alteration results from a G to C substitution at nucleotide position 1807, causing the glycine (G) at amino acid position 603 to be replaced by an arginine (R). This variant was not reported in population-based cohorts in the Genome Aggregation Database (gnomAD). Another variant at the same codon, c.1808G>A (p.G603D), has been identified in individual(s) with features consistent with KCNH2-related long QT syndrome (Okata, 2013; Itoh, 2016; Murphy, 2024). This amino acid position is not well conserved in available vertebrate species. The in silico prediction for this alteration is inconclusive. Based on insufficient or conflicting evidence, the clinical significance of this alteration remains unclear.

Literature cited by the submitters: PubMed 23917959; PubMed 26669661; PubMed 38489124.